The following is an entry in ClinVar:

ClinVar aggregate classification (germline): Uncertain significance (1 of 4 stars; one submission).

Submission:

Labcorp Genetics (formerly Invitae), Labcorp
Classification: Uncertain significance. Last evaluated: 2025-10-04. Review status: criteria provided, single submitter. Criteria: Invitae Variant Classification Sherloc (09022015). Collection method: clinical testing. Allele origin: germline.
Comment: This sequence change falls in intron 22 of the LAMA1 gene. It does not directly change the encoded amino acid sequence of the LAMA1 protein. It affects a nucleotide within the consensus splice site. Information on the frequency of this variant in the gnomAD database is not available, as this variant may be reported differently in the database. This variant has not been reported in the literature in individuals affected with LAMA1-related conditions. Variants that disrupt the consensus splice site are a relatively common cause of aberrant splicing (PMID: 17576681, 9536098). In summary, the available evidence is currently insufficient to determine the role of this variant in disease. Therefore, it has been classified as a Variant of Uncertain Significance.

Literature cited by the submitters: PubMed 17576681; PubMed 9536098.

NM_005559.4(LAMA1):c.3126+6_3126+7inv

Gene: LAMA1 (laminin subunit alpha 1; minus strand). Cytogenetic location: 18p11.31.
Variant type: Inversion.
Coding change: c.3126+6_3126+7inv on transcript NM_005559.4 (MANE Select).
Molecular consequence: intron variant.
Genome position: GRCh38 VCF-style: chr18-7015715-TG-CA. GRCh37 (hg19) VCF-style: chr18-7015714-TG-CA.
Identifiers: ClinVar variation 4696135 (VCV004696135.1).
Genomic context (GRCh38, chr18:7,015,715, plus strand): 5'-ACAGGCCTGAAACTTGCTACAGCAAAGCAACTCTCAGTTAAGCAAGAGCGTGGATGACAG[TG>CA]CTCACCTGGCACCCCACCTCCGCATCGTAGCCCCAGTGCCCATCCTCACATTCTTCACAC-3'